The following is an entry in ClinVar:

NC_000002.11:g.(?_189860841)_(189861232_?)del

Gene: COL3A1 (collagen type III alpha 1 chain; plus strand). Cytogenetic location: 2q32.2.
Variant type: Deletion.
Identifiers: ClinVar variation 2422338 (VCV002422338.2).

ClinVar aggregate classification (germline): Pathogenic (1 of 4 stars; one submission).

Conditions:
Ehlers-Danlos syndrome, type 4 (EDSVASC). Also called: Ehlers-Danlos syndrome vascular type; Ehlers Danlos syndrome, ecchymotic type; Ehlers Danlos syndrome, arterial type; Ehlers Danlos syndrome, Sack-Barabas type; Ehlers-Danlos Syndrome Type IV. Identifiers: Orphanet 286, MedGen C0268338, MONDO:0017314, OMIM 130050.

Submission:

Labcorp Genetics (formerly Invitae), Labcorp
Classification: Pathogenic for Ehlers-Danlos syndrome, type 4. Last evaluated: 2020-04-30. Review status: criteria provided, single submitter. Criteria: Invitae Variant Classification Sherloc (09022015). Collection method: clinical testing. Allele origin: germline.
Comment: This variant is an in-frame deletion of the genomic region encompassing exons 23-24 of the COL3A1 gene. It preserves the integrity of the reading frame. For these reasons, this variant has been classified as Pathogenic. This variant deletes 51 amino acids from the¬†triple helix domain, including¬†p.Gly540. Glycine residues within the Gly-Xaa-Yaa repeats of the triple helix domain are required for the structure and stability of fibrillar collagens (PMID: 7695699, 8218237, 19344236). In addition, in COL3A1, missense variants at these glycine residues are significantly enriched in individuals with disease (PMID: 24922459, 25758994) compared to the general population (ExAC). This variant has not been reported in the literature in individuals with COL3A1-related disease.

Literature cited by the submitters: PubMed 7695699; PubMed 8218237; PubMed 19344236; PubMed 24922459; PubMed 25758994.